The following is an entry in ClinVar:

NM_000264.5(PTCH1):c.661G>T (p.Glu221Ter)

Gene: PTCH1 (patched 1; minus strand). Cytogenetic location: 9q22.32.
Variant type: single nucleotide variant.
Coding change: c.661G>T on transcript NM_000264.5 (MANE Select); coding-DNA position 661, G replaced by T.
Protein change: p.Glu221Ter; replaces glutamic acid 221 with a stop codon.
Molecular consequence: nonsense. On other transcripts: non-coding transcript variant (1).
Genome position (GRCh38, 1-based): chr9:95,482,034, C>A on the plus strand (G>T on the coding strand, the complement: PTCH1 is on the minus strand). VCF-style: chr9-95482034-C-A. GRCh37 (hg19) VCF-style: chr9-98244316-C-A.
Other names: c.463G>T, p.Glu155Ter (NM_001083602.3, NM_001354919.2); c.658G>T, p.Glu220Ter (NM_001083603.3); c.208G>T, p.Glu70Ter (NM_001083604.3, NM_001083605.3, NM_001083606.3 and 1 more transcripts); c.661G>T, p.Glu221Ter (NM_001354918.2); short protein forms E155*, E221*, E70*, E220*.
Identifiers: ClinVar variation 545965 (VCV000545965.4), dbSNP rs1554700647, ClinGen allele CA374114979.

ClinVar aggregate classification (germline): Pathogenic. Review status: criteria provided, multiple submitters, no conflicts (2 of 4 stars). 2 submissions from 2 submitters: Pathogenic (2). Last evaluated 2022-08-02.

Conditions:
Hereditary cancer-predisposing syndrome. Also called: Neoplastic Syndromes, Hereditary; Hereditary Cancer Syndrome; Tumor predisposition; Hereditary neoplastic syndrome. Identifiers: Orphanet 140162, MedGen C0027672, MeSH D009386, MONDO:0015356.

Submissions (2):

Ambry Genetics
Classification: Pathogenic for Hereditary cancer-predisposing syndrome. Last evaluated: 2022-08-02. Review status: criteria provided, single submitter. Criteria: Ambry Variant Classification Scheme 2023. Collection method: clinical testing. Allele origin: germline.
Comment: The p.E221* pathogenic mutation (also known as c.661G>T), located in coding exon 5 of the PTCH1 gene, results from a G to T substitution at nucleotide position 661. This changes the amino acid from a glutamic acid to a stop codon within coding exon 5. This alteration has been observed in individuals with a personal and/or family history that is consistent with PTCH1-related disease (Ambry internal data; Klein RD et al. Genet Med;7:611-9). This variant is considered to be rare based on population cohorts in the Genome Aggregation Database (gnomAD). This alteration is expected to result in loss of function by premature protein truncation or nonsense-mediated mRNA decay. As such, this alteration is interpreted as a disease-causing mutation.

GeneDx
Classification: Pathogenic. Last evaluated: 2017-01-23. Review status: criteria provided, single submitter. Criteria: GeneDx Variant Classification (06012015). Collection method: clinical testing. Allele origin: germline. Affected: yes.
Comment: This variant is denoted PTCH1 c.661G>T at the cDNA level and p.Glu221Ter (E221X) at the protein level. The substitution creates a nonsense variant, which changes a Glutamic Acid to a premature stop codon (GAA>TAA), and is predicted to cause loss of normal protein function through either protein truncation or nonsense-mediated mRNA decay. This variant has been reported in at least one individual with features of Gorlin syndrome (Klein 2005) and is considered pathogenic.

Literature cited by the submitters: PubMed 16301862 (cited by Ambry Genetics).